The following is an entry in ClinVar:

ClinVar aggregate classification (germline): Pathogenic (1 of 4 stars; one submission).

Conditions:
Familial intrahepatic cholestasis. Identifiers: Orphanet 284385, MedGen CN296401, MONDO:0017290.

Submission:

Genomenon, Inc
Classification: Pathogenic for Familial intrahepatic cholestasis. Last evaluated: 2026-04-14. Review status: criteria provided, single submitter. Criteria: Genomenon Sequence Variant Interpretation Standards - Updated. Collection method: curation. Allele origin: germline. Affected: yes.
Comment: ATP8B1 p.Trp1095Ter (c.3284G>A) is a nonsense variant that introduces a premature stop codon at amino acid position 1095, creating a truncated protein that is predicted to undergo nonsense-mediated mRNA decay. This variant has been observed in at least one proband with features of ATP8B1-deficiency (PMID:26678486). It is absent or not present at a significant frequency in gnomAD. In conclusion, we classify ATP8B1 p.Trp1095Ter (c.3284G>A) as a pathogenic variant.

Literature cited by the submitters: PubMed 26678486.

NM_001374385.1(ATP8B1):c.3284G>A (p.Trp1095Ter)

Genes: ATP8B1 (ATPase phospholipid transporting 8B1; minus strand), ATP8B1-AS1 (ATP8B1 antisense RNA 1; plus strand). Cytogenetic location: 18q21.31.
Variant type: single nucleotide variant.
Coding change: c.3284G>A on transcript NM_001374385.1 (MANE Select); coding-DNA position 3284, G replaced by A.
Protein change: p.Trp1095Ter; replaces tryptophan 1095 with a stop codon.
Molecular consequence: nonsense.
Genome position (GRCh38, 1-based): chr18:57,652,150, C>T on the plus strand (G>A on the coding strand, the complement: ATP8B1 is on the minus strand). VCF-style: chr18-57652150-C-T. GRCh37 (hg19) VCF-style: chr18-55319382-C-T.
Other names: c.3134G>A, p.Trp1045Ter (NM_001374386.1); c.3284G>A, p.Trp1095Ter (NM_005603.6); short protein forms W1045*, W1095*.
Identifiers: ClinVar variation 4846308 (VCV004846308.1).
Genomic context (GRCh38, chr18:57,652,150, plus strand): 5'-AACATGATGCCAAAATAAAGTGCAATGCTTCCAAAAATTGAAAAAGCATTCACAAAAGTC[C>T]AATAAGAAGTATCCAAGCCAATCTGTTGGGAAACCAGAGAAAAACAGAGCACTCATTTTG-3'